The following is an entry in ClinVar:

ClinVar aggregate classification (germline): Uncertain significance. Review status: criteria provided, multiple submitters, no conflicts (2 of 4 stars). 2 submissions from 2 submitters: Uncertain significance (2). Last evaluated 2025-07-02.

Conditions:
Inborn genetic diseases. Identifiers: MedGen C0950123, MeSH D030342.
Symmetrical dyschromatosis of extremities (DSH). Also called: RETICULATE ACROPIGMENTATION OF DOHI; SYMMETRIC DYSCHROMATOSIS OF THE EXTREMITIES; Dyschromatosis symmetrica hereditaria; DYSCHROMATOSIS SYMMETRICA HEREDITARIA 1. Identifiers: Orphanet 41, MedGen C0406775, MONDO:0007483, OMIM 127400.
Aicardi-Goutieres syndrome 6 (AGS6). Identifiers: Orphanet 51, MedGen C3539013, MONDO:0014007, OMIM 615010.

Allele frequency attached by ClinVar (database versions not stated): gnomAD exomes 0.00001; gnomAD 0.00001; ExAC 0.00001; TOPMed 0.00001.
gnomAD v4.1: 10 of 1,613,902 alleles (0.00062%); highest among the groups gnomAD compares: African/African-American, 0.0013%; no homozygotes.

Submissions (2):

Labcorp Genetics (formerly Invitae), Labcorp
Classification: Uncertain significance for Aicardi-Goutieres syndrome 6; Symmetrical dyschromatosis of extremities. Last evaluated: 2025-07-02. Review status: criteria provided, single submitter. Criteria: Invitae Variant Classification Sherloc (09022015). Collection method: clinical testing. Allele origin: germline.
Comment: This sequence change replaces glycine, which is neutral and non-polar, with serine, which is neutral and polar, at codon 865 of the ADAR protein (p.Gly865Ser). This variant is present in population databases (rs775500671, gnomAD 0.003%). This variant has not been reported in the literature in individuals affected with ADAR-related conditions. ClinVar contains an entry for this variant (Variation ID: 1403640). Invitae Evidence Modeling of protein sequence and biophysical properties (such as structural, functional, and spatial information, amino acid conservation, physicochemical variation, residue mobility, and thermodynamic stability) indicates that this missense variant is expected to disrupt ADAR protein function with a positive predictive value of 80%. In summary, the available evidence is currently insufficient to determine the role of this variant in disease. Therefore, it has been classified as a Variant of Uncertain Significance.

Ambry Genetics
Classification: Uncertain significance for Inborn genetic diseases. Last evaluated: 2024-11-25. Review status: criteria provided, single submitter. Criteria: Ambry Variant Classification Scheme 2023. Collection method: clinical testing. Allele origin: germline.

NM_001111.5(ADAR):c.2593G>A (p.Gly865Ser)

Genes: ADAR (adenosine deaminase RNA specific; minus strand), LOC126805874 (CDK7 strongly-dependent group 2 enhancer GRCh37_chr1:154561176-154562375; plus strand). Cytogenetic location: 1q21.3.
Variant type: single nucleotide variant.
Coding change: c.2593G>A on transcript NM_001111.5 (MANE Select); coding-DNA position 2593, G replaced by A.
Protein change: p.Gly865Ser; replaces glycine 865 with serine.
Molecular consequence: missense variant.
Genome position (GRCh38, 1-based): chr1:154,589,832, C>T on the plus strand (G>A on the coding strand, the complement: ADAR is on the minus strand). VCF-style: chr1-154589832-C-T. GRCh37 (hg19) VCF-style: chr1-154562308-C-T.
Other names: c.2593G>A (NM_001111.4); c.1708G>A, p.Gly570Ser (NM_001025107.3, NM_001193495.2, NM_001365046.1 and 2 more transcripts); c.2620G>A, p.Gly874Ser (NM_001365045.1); c.1630G>A, p.Gly544Ser (NM_001365049.1); c.2515G>A, p.Gly839Ser (NM_015840.4); c.2458G>A, p.Gly820Ser (NM_015841.4); short protein forms G820S, G544S, G570S, G839S, G865S, G874S.
Identifiers: ClinVar variation 1403640 (VCV001403640.7), dbSNP rs775500671, ClinGen allele CA1131221.